The following is an entry in ClinVar:

ClinVar aggregate classification (germline): Conflicting classifications of pathogenicity. Review status: criteria provided, conflicting classifications (1 of 4 stars). 2 submissions from 2 submitters: Likely pathogenic (1); Uncertain significance (1). Last evaluated 2024-04-19.

Conditions:
CYP11B1-related disorder. Also called: CYP11B1-related condition.

Allele frequency attached by ClinVar (database versions not stated): gnomAD exomes below 0.00001.

Submissions (2):

Blueprint Genetics
Classification: Likely pathogenic for CYP11B1-related disorders. Last evaluated: 2024-04-19. Review status: criteria provided, single submitter. Criteria: ACMG Guidelines, 2015. Collection method: clinical testing. Allele origin: germline. Affected: yes. Observed: 1 variant allele.

Labcorp Genetics (formerly Invitae), Labcorp
Classification: Uncertain significance. Last evaluated: 2023-03-26. Review status: criteria provided, single submitter. Criteria: Invitae Variant Classification Sherloc (09022015). Collection method: clinical testing. Allele origin: germline.
Comment: This variant has not been reported in the literature in individuals affected with CYP11B1-related conditions. In summary, the available evidence is currently insufficient to determine the role of this variant in disease. Therefore, it has been classified as a Variant of Uncertain Significance. Advanced modeling of protein sequence and biophysical properties (such as structural, functional, and spatial information, amino acid conservation, physicochemical variation, residue mobility, and thermodynamic stability) performed at Invitae indicates that this missense variant is expected to disrupt CYP11B1 protein function. This variant is not present in population databases (gnomAD no frequency). This sequence change replaces tryptophan, which is neutral and slightly polar, with glycine, which is neutral and non-polar, at codon 428 of the CYP11B1 protein (p.Trp428Gly).

NM_000497.4(CYP11B1):c.1282T>G (p.Trp428Gly)

Genes: CYP11B1 (cytochrome P450 family 11 subfamily B member 1; minus strand), LOC106799833 (CYP11B1 recombination region; plus strand). Cytogenetic location: 8q24.3.
Variant type: single nucleotide variant.
Coding change: c.1282T>G on transcript NM_000497.4 (MANE Select); coding-DNA position 1282, T replaced by G.
Protein change: p.Trp428Gly; replaces tryptophan 428 with glycine.
Molecular consequence: missense variant. On other transcripts: intron variant (1).
Genome position (GRCh38, 1-based): chr8:142,875,073, A>C on the plus strand (T>G on the coding strand, the complement: CYP11B1 is on the minus strand). VCF-style: chr8-142875073-A-C. GRCh37 (hg19) VCF-style: chr8-143956489-A-C.
Other names: c.1200+161T>G (NM_001026213.1); short protein forms W428G.
Identifiers: ClinVar variation 3002184 (VCV003002184.4), dbSNP rs2488675495, ClinGen allele CA372391667.